The following is an entry in ClinVar:

NM_004341.5(CAD):c.4558C>G (p.Gln1520Glu)

Gene: CAD (carbamoyl-phosphate synthetase 2, aspartate transcarbamylase, and dihydroorotase; plus strand). Cytogenetic location: 2p23.3.
Variant type: single nucleotide variant.
Coding change: c.4558C>G on transcript NM_004341.5 (MANE Select); coding-DNA position 4558, C replaced by G.
Protein change: p.Gln1520Glu; replaces glutamine 1520 with glutamic acid.
Molecular consequence: missense variant.
Genome position (GRCh38, 1-based): chr2:27,237,540, C>G. VCF-style: chr2-27237540-C-G. GRCh37 (hg19) VCF-style: chr2-27460408-C-G.
Other names: c.4369C>G, p.Gln1457Glu (NM_001306079.2); short protein forms Q1457E, Q1520E.
Identifiers: ClinVar variation 1716518 (VCV001716518.5), dbSNP rs1219926023, ClinGen allele CA346220236.

ClinVar aggregate classification (germline): Uncertain significance (1 of 4 stars; one submission).

Submission:

Labcorp Genetics (formerly Invitae), Labcorp
Classification: Uncertain significance. Last evaluated: 2026-01-12. Review status: criteria provided, single submitter. Criteria: Invitae Variant Classification Sherloc (09022015). Collection method: clinical testing. Allele origin: germline.
Comment: This sequence change replaces glutamine, which is neutral and polar, with glutamic acid, which is acidic and polar, at codon 1520 of the CAD protein (p.Gln1520Glu). This variant is not present in population databases (gnomAD no frequency). This variant has not been reported in the literature in individuals affected with CAD-related conditions. ClinVar contains an entry for this variant (Variation ID: 1716518). An algorithm developed to predict the effect of missense changes on protein structure and function (PolyPhen-2) suggests that this variant is likely to be tolerated. In summary, the available evidence is currently insufficient to determine the role of this variant in disease. Therefore, it has been classified as a Variant of Uncertain Significance.